The following is an entry in ClinVar:

NM_004371.4(COPA):c.2329A>T (p.Thr777Ser)

Gene: COPA (coat protein complex I subunit alpha; minus strand). Cytogenetic location: 1q23.2.
Variant type: single nucleotide variant.
Coding change: c.2329A>T on transcript NM_004371.4 (MANE Select); coding-DNA position 2329, A replaced by T.
Protein change: p.Thr777Ser; replaces threonine 777 with serine.
Molecular consequence: missense variant.
Genome position (GRCh38, 1-based): chr1:160,296,084, T>A on the plus strand (A>T on the coding strand, the complement: COPA is on the minus strand). VCF-style: chr1-160296084-T-A. GRCh37 (hg19) VCF-style: chr1-160265874-T-A.
Other names: c.2356A>T, p.Thr786Ser (NM_001098398.2); short protein forms T777S, T786S.
Identifiers: ClinVar variation 1404987 (VCV001404987.8), dbSNP rs2101825999, ClinGen allele CA343276667.
Genomic context (GRCh38, chr1:160,296,084, plus strand): 5'-CCTGTAATAAGAGACAATTATGTAAATAAAGACTCACTGTCTCCTTCTCTGGGTCAAATG[T>A]CTCCTTTAGGCTCTCAGCTTCTTCATCTAAGCCATGGGTAGCAGCTGTGAGATAGGCCAG-3'
Protein context (NP_004362.2, residues 767-787): LDEEAESLKE[Thr777Ser]FDPEKETIPD

ClinVar aggregate classification (germline): Uncertain significance (1 of 4 stars; one submission).

Conditions:
Autoimmune interstitial lung disease-arthritis syndrome. Also called: Autoinflammation and autoimmunity, systemic, with immune dysregulation. Identifiers: Orphanet 444092, MedGen C5975714, MONDO:0014629.

Submission:

Labcorp Genetics (formerly Invitae), Labcorp
Classification: Uncertain significance for Autoimmune interstitial lung disease-arthritis syndrome. Last evaluated: 2022-11-14. Review status: criteria provided, single submitter. Criteria: Invitae Variant Classification Sherloc (09022015). Collection method: clinical testing. Allele origin: germline.
Comment: This sequence change replaces threonine, which is neutral and polar, with serine, which is neutral and polar, at codon 777 of the COPA protein (p.Thr777Ser). This variant is not present in population databases (gnomAD no frequency). This variant has not been reported in the literature in individuals affected with COPA-related conditions. ClinVar contains an entry for this variant (Variation ID: 1404987). Advanced modeling of protein sequence and biophysical properties (such as structural, functional, and spatial information, amino acid conservation, physicochemical variation, residue mobility, and thermodynamic stability) performed at Invitae indicates that this missense variant is not expected to disrupt COPA protein function. In summary, the available evidence is currently insufficient to determine the role of this variant in disease. Therefore, it has been classified as a Variant of Uncertain Significance.